The following is an entry in ClinVar:

ClinVar aggregate classification (germline): Uncertain significance (1 of 4 stars; one submission).

Submission:

GeneDx
Classification: Uncertain significance. Last evaluated: 2024-05-29. Review status: criteria provided, single submitter. Criteria: GeneDx Variant Classification Process June 2021. Collection method: clinical testing. Allele origin: germline. Affected: yes.
Comment: Not observed at significant frequency in large population cohorts (gnomAD); In silico analysis supports that this missense variant has a deleterious effect on protein structure/function; Has not been previously published as pathogenic or benign to our knowledge

NM_022455.5(NSD1):c.5561T>C (p.Leu1854Pro)

Gene: NSD1 (nuclear receptor binding SET domain protein 1; plus strand). Cytogenetic location: 5q35.3.
Variant type: single nucleotide variant.
Coding change: c.5561T>C on transcript NM_022455.5 (MANE Select); coding-DNA position 5561, T replaced by C.
Protein change: p.Leu1854Pro; replaces leucine 1854 with proline.
Molecular consequence: missense variant.
Genome position (GRCh38, 1-based): chr5:177,273,723, T>C. VCF-style: chr5-177273723-T-C. GRCh37 (hg19) VCF-style: chr5-176700724-T-C.
Other names: c.4688T>C, p.Leu1563Pro (NM_001365684.2, NM_001409308.1, NM_001409309.1 and 1 more transcripts); c.5561T>C, p.Leu1854Pro (NM_001409301.1, NM_001409302.1, NM_001409303.1); c.5141T>C, p.Leu1714Pro (NM_001409304.1); c.4808T>C, p.Leu1603Pro (NM_001409305.1); c.4799T>C, p.Leu1600Pro (NM_001409306.1, NM_001409307.1); short protein forms L1563P, L1600P, L1603P, L1714P, L1854P.
Identifiers: ClinVar variation 3383646 (VCV003383646.1).